The following is an entry in ClinVar:

ClinVar aggregate classification (germline): Uncertain significance (1 of 4 stars; one submission).

Conditions:
Generalized epilepsy-paroxysmal dyskinesia syndrome (PNKD3). Also called: Generalized epilepsy and paroxysmal dyskinesia; Paroxysmal nonkinesigenic dyskinesia, 3, with or without generalized epilepsy. Identifiers: Orphanet 79137, MedGen C5574945, MONDO:0012276, OMIM 609446.

Allele frequency attached by ClinVar (database versions not stated): gnomAD 0.00001.
gnomAD v4.1: 1 of 1,611,292 alleles (0.000062%); highest among the groups gnomAD compares: African/African-American, 0.0013%; no homozygotes.

Submission:

Labcorp Genetics (formerly Invitae), Labcorp
Classification: Uncertain significance for Generalized epilepsy-paroxysmal dyskinesia syndrome. Last evaluated: 2024-01-26. Review status: criteria provided, single submitter. Criteria: Invitae Variant Classification Sherloc (09022015). Collection method: clinical testing. Allele origin: germline.
Comment: This sequence change replaces valine, which is neutral and non-polar, with isoleucine, which is neutral and non-polar, at codon 181 of the KCNMA1 protein (p.Val181Ile). This variant is not present in population databases (gnomAD no frequency). This variant has not been reported in the literature in individuals affected with KCNMA1-related conditions. An algorithm developed to predict the effect of missense changes on protein structure and function (PolyPhen-2) suggests that this variant is likely to be disruptive. In summary, the available evidence is currently insufficient to determine the role of this variant in disease. Therefore, it has been classified as a Variant of Uncertain Significance.

NM_001161352.2(KCNMA1):c.541G>A (p.Val181Ile)

Gene: KCNMA1 (potassium calcium-activated channel subfamily M alpha 1; minus strand). Cytogenetic location: 10q22.3.
Variant type: single nucleotide variant.
Coding change: c.541G>A on transcript NM_001161352.2 (MANE Select); coding-DNA position 541, G replaced by A.
Protein change: p.Val181Ile; replaces valine 181 with isoleucine.
Molecular consequence: missense variant. On other transcripts: 5 prime UTR variant (1).
Genome position (GRCh38, 1-based): chr10:77,251,256, C>T on the plus strand (G>A on the coding strand, the complement: KCNMA1 is on the minus strand). VCF-style: chr10-77251256-C-T. GRCh37 (hg19) VCF-style: chr10-79011014-C-T.
Other names: c.541G>A, p.Val181Ile (NM_001014797.3, NM_001161353.2, NM_001271519.2 and 8 more transcripts); c.379G>A, p.Val127Ile (NM_001271518.2); c.-76G>A (NM_001322838.2); short protein forms V181I, V127I.
Identifiers: ClinVar variation 2766229 (VCV002766229.3), dbSNP rs2059605622, ClinGen allele CA377410899.
Genomic context (GRCh38, chr10:77,251,256, plus strand): 5'-TTGATGAATCTATGAAGTATATTACAAGTGCACCGATGCTGAGAGCAAAGACTAAGACAA[C>T]CTGTAAAAGAAGAGGAGAATGCCATCACTTAAGAGTTGGACCTCAGGATGTTTGGGTTTT-3'
Protein context (NP_001154824.1, residues 171-191): SAQTLTGRVL[Val181Ile]VLVFALSIGA